The following is an entry in ClinVar:

NM_138691.3(TMC1):c.509G>A (p.Trp170Ter)

Gene: TMC1 (transmembrane channel like 1; plus strand). Cytogenetic location: 9q21.13.
Variant type: single nucleotide variant.
Coding change: c.509G>A on transcript NM_138691.3 (MANE Select); coding-DNA position 509, G replaced by A.
Protein change: p.Trp170Ter; replaces tryptophan 170 with a stop codon.
Molecular consequence: nonsense.
Genome position (GRCh38, 1-based): chr9:72,742,499, G>A. VCF-style: chr9-72742499-G-A. GRCh37 (hg19) VCF-style: chr9-75357415-G-A.
Other names: short protein forms W170*.
Identifiers: ClinVar variation 2919722 (VCV002919722.3), dbSNP rs752678337, ClinGen allele CA5081698.
Genomic context (GRCh38, chr9:72,742,499, plus strand): 5'-TTCAGAAATGGGCAAAATTCCTCCGTGATTTTGAGAACTTCAAAGCTGCGTGTGTCCCAT[G>A]GGAAAATAAAATCAAGGCTATTGAAAGTAAGTCCTTATCAGATCTCAGGTGGAGAAGGTT-3'

ClinVar aggregate classification (germline): Pathogenic (1 of 4 stars; one submission).

Allele frequency attached by ClinVar (database versions not stated): ExAC 0.00001; gnomAD 0.00001; TOPMed 0.00001; gnomAD exomes 0.00002.
gnomAD v4.1: 28 of 1,613,964 alleles (0.0017%); highest among the groups gnomAD compares: Non-Finnish European, 0.0021%; no homozygotes.

Submission:

Labcorp Genetics (formerly Invitae), Labcorp
Classification: Pathogenic. Last evaluated: 2023-12-12. Review status: criteria provided, single submitter. Criteria: Invitae Variant Classification Sherloc (09022015). Collection method: clinical testing. Allele origin: germline.
Comment: This sequence change creates a premature translational stop signal (p.Trp170*) in the TMC1 gene. It is expected to result in an absent or disrupted protein product. Loss-of-function variants in TMC1 are known to be pathogenic (PMID: 11850618, 22105175). This variant is present in population databases (rs752678337, gnomAD 0.003%). This variant has not been reported in the literature in individuals affected with TMC1-related conditions. For these reasons, this variant has been classified as Pathogenic.

Literature cited by the submitters: PubMed 11850618; PubMed 22105175.